The following is an entry in ClinVar:

NM_173483.4(CYP4F22):c.1022C>T (p.Ser341Phe)

Gene: CYP4F22 (cytochrome P450 family 4 subfamily F member 22; plus strand). Cytogenetic location: 19p13.12.
Variant type: single nucleotide variant.
Coding change: c.1022C>T on transcript NM_173483.4 (MANE Select); coding-DNA position 1022, C replaced by T.
Protein change: p.Ser341Phe; replaces serine 341 with phenylalanine.
Molecular consequence: missense variant.
Genome position (GRCh38, 1-based): chr19:15,544,165, C>T. VCF-style: chr19-15544165-C-T. GRCh37 (hg19) VCF-style: chr19-15654976-C-T.
Other names: short protein forms S341F.
Identifiers: ClinVar variation 3650394 (VCV003650394.2).

ClinVar aggregate classification (germline): Uncertain significance (1 of 4 stars; one submission).

Submission:

Labcorp Genetics (formerly Invitae), Labcorp
Classification: Uncertain significance. Last evaluated: 2024-04-18. Review status: criteria provided, single submitter. Criteria: Invitae Variant Classification Sherloc (09022015). Collection method: clinical testing. Allele origin: germline.
Comment: This sequence change replaces serine, which is neutral and polar, with phenylalanine, which is neutral and non-polar, at codon 341 of the CYP4F22 protein (p.Ser341Phe). This variant is not present in population databases (gnomAD no frequency). This variant has not been reported in the literature in individuals affected with CYP4F22-related conditions. An algorithm developed to predict the effect of missense changes on protein structure and function (PolyPhen-2) suggests that this variant is likely to be disruptive. In summary, the available evidence is currently insufficient to determine the role of this variant in disease. Therefore, it has been classified as a Variant of Uncertain Significance.